The following is an entry in ClinVar:

ClinVar aggregate classification (germline): Uncertain significance (1 of 4 stars; one submission).

Allele frequency attached by ClinVar (database versions not stated): gnomAD exomes 0.00001; TOPMed 0.00001.
gnomAD v4.1: 7 of 1,613,370 alleles (0.00043%); highest among the groups gnomAD compares: Non-Finnish European, 0.00059%; no homozygotes.

Submission:

Ambry Genetics
Classification: Uncertain significance. Last evaluated: 2022-09-11. Review status: criteria provided, single submitter. Criteria: Ambry Variant Classification Scheme 2023. Collection method: clinical testing. Allele origin: germline.
Comment: The p.P350A variant (also known as c.1048C>G), located in coding exon 8 of the RECQL gene, results from a C to G substitution at nucleotide position 1048. The proline at codon 350 is replaced by alanine, an amino acid with highly similar properties. This amino acid position is conserved. In addition, this alteration is predicted to be tolerated by in silico analysis. Since supporting evidence is limited at this time, the clinical significance of this alteration remains unclear.

NM_002907.4(RECQL):c.1048C>G (p.Pro350Ala)

Gene: RECQL (RecQ like helicase; minus strand). Cytogenetic location: 12p12.1.
Variant type: single nucleotide variant.
Coding change: c.1048C>G on transcript NM_002907.4 (MANE Select); coding-DNA position 1048, C replaced by G.
Protein change: p.Pro350Ala; replaces proline 350 with alanine.
Molecular consequence: missense variant.
Genome position (GRCh38, 1-based): chr12:21,475,726, G>C on the plus strand (C>G on the coding strand, the complement: RECQL is on the minus strand). VCF-style: chr12-21475726-G-C. GRCh37 (hg19) VCF-style: chr12-21628660-G-C.
Other names: c.1048C>G, p.Pro350Ala (NM_032941.3); short protein forms P350A.
Identifiers: ClinVar variation 1776012 (VCV001776012.2), dbSNP rs1255643765, ClinGen allele CA384121370.